The following is an entry in ClinVar:

NM_058246.4(DNAJB6):c.479-262G>T

Gene: DNAJB6 (DnaJ heat shock protein family (Hsp40) member B6; plus strand). Cytogenetic location: 7q36.3.
Variant type: single nucleotide variant.
Coding change: c.479-262G>T on transcript NM_058246.4 (MANE Select); 262 bases into the intron before coding-DNA position 479, G replaced by T.
Molecular consequence: intron variant.
Genome position (GRCh38, 1-based): chr7:157,384,605, G>T. VCF-style: chr7-157384605-G-T. GRCh37 (hg19) VCF-style: chr7-157177299-G-T.
Other names: c.346+17122G>T (NM_001363676.1); c.479-262G>T (NM_005494.3).
Identifiers: ClinVar variation 671341 (VCV000671341.1), dbSNP rs4716711, ClinGen allele CA12641765.

ClinVar aggregate classification (germline): Benign (1 of 4 stars; one submission).

Allele frequency attached by ClinVar (database versions not stated): 1000 Genomes Project 0.11901; 1000 Genomes Project 30x 0.12508; TOPMed 0.13067.
gnomAD v4.1: 18,594 of 152,188 alleles (12%); highest among the groups gnomAD compares: African/African-American, 30%; 2,112 homozygotes.

Submission:

GeneDx
Classification: Benign. Last evaluated: 2018-06-16. Review status: criteria provided, single submitter. Criteria: GeneDx Variant Classification (06012015). Collection method: clinical testing. Allele origin: germline. Affected: yes.
Comment: This variant is considered likely benign or benign based on one or more of the following criteria: it is a conservative change, it occurs at a poorly conserved position in the protein, it is predicted to be benign by multiple in silico algorithms, and/or has population frequency not consistent with disease.